The following is an entry in ClinVar:

ClinVar aggregate classification (germline): Conflicting classifications of pathogenicity. Review status: criteria provided, conflicting classifications (1 of 4 stars). 6 submissions from 6 submitters: Uncertain significance (4); Likely benign (2). Last evaluated 2025-08-04.

Conditions:
Cardiovascular phenotype. Identifiers: MedGen CN230736.
Myofibrillar myopathy 4. Also called: Zaspopathy (type). Identifiers: Orphanet 98912, MedGen C4721886, MONDO:0012277, OMIM 609452.
Dilated cardiomyopathy 1C (CMD1C). Also called: CARDIOMYOPATHY, DILATED, 1C, WITH OR WITHOUT LEFT VENTRICULAR NONCOMPACTION; Cardiomyopathy, dilated, 1C, with or without LVNC. Identifiers: Orphanet 154, Orphanet 54260, MedGen C1832244, MONDO:0011094, OMIM 601493.

Allele frequency attached by ClinVar (database versions not stated): TOPMed 0.00007; gnomAD 0.00009 and 0.00008; ESP Exome Variant Server 0.00008.
gnomAD v4.1: 148 of 1,614,132 alleles (0.0092%); highest among the groups gnomAD compares: Middle Eastern, 0.12%; no homozygotes.

Submissions (6):

Labcorp Genetics (formerly Invitae), Labcorp
Classification: Uncertain significance for Myofibrillar myopathy 4. Last evaluated: 2025-08-04. Review status: criteria provided, single submitter. Criteria: Invitae Variant Classification Sherloc (09022015). Collection method: clinical testing. Allele origin: germline.
Comment: This sequence change replaces valine, which is neutral and non-polar, with isoleucine, which is neutral and non-polar, at codon 192 of the LDB3 protein (p.Val192Ile). This variant is present in population databases (rs201417512, gnomAD 0.03%). This variant has not been reported in the literature in individuals affected with LDB3-related conditions. ClinVar contains an entry for this variant (Variation ID: 191697). An algorithm developed to predict the effect of missense changes on protein structure and function (PolyPhen-2) suggests that this variant is likely to be tolerated. In summary, the available evidence is currently insufficient to determine the role of this variant in disease. Therefore, it has been classified as a Variant of Uncertain Significance.

Blueprint Genetics
Classification: Likely benign. Last evaluated: 2024-11-08. Review status: criteria provided, single submitter. Criteria: ACMG Guidelines, 2015. Collection method: clinical testing. Allele origin: germline.

Ambry Genetics
Classification: Uncertain significance for Cardiovascular phenotype. Last evaluated: 2023-12-29. Review status: criteria provided, single submitter. Criteria: Ambry Variant Classification Scheme 2023. Collection method: clinical testing. Allele origin: germline.
Comment: The p.V239I variant (also known as c.715G>A), located in coding exon 5 of the LDB3 gene, results from a G to A substitution at nucleotide position 715. The valine at codon 239 is replaced by isoleucine, an amino acid with highly similar properties. This alteration (described as NM_001080116.1:c.574G>A p.V192I) has been reported as a secondary cardiac variant in an exome cohort (Ng D et al. Circ Cardiovasc Genet, 2013 Aug;6:337-46). This variant has also been reported in a sudden death case (described as NM_001171610 c.919G>A p.V307I) and a hypertrophic cardiomyopathy (HCM) case; however, both individuals had co-occurring variants and limited clinical details (Hertz CL et al. Int J Legal Med, 2016 Jan;130:91-102; van Lint FHM et al. Neth Heart J, 2019 Jun;27:304-309). This amino acid position is well conserved in available vertebrate species. In addition, the in silico prediction for this alteration is inconclusive. Since supporting evidence is limited at this time, the clinical significance of this alteration remains unclear.

Department of Pathology and Laboratory Medicine, Sinai Health System
Classification: Uncertain significance for Myofibrillar myopathy 4; Dilated cardiomyopathy 1C. Last evaluated: 2022-07-21. Review status: criteria provided, single submitter. Criteria: ACMG Guidelines, 2015. Collection method: research. Allele origin: germline.

GeneDx
Classification: Likely benign. Last evaluated: 2020-09-01. Review status: criteria provided, single submitter. Criteria: GeneDx Variant Classification Process June 2021. Collection method: clinical testing. Allele origin: germline. Affected: yes.
Comment: This variant is associated with the following publications: (PMID: 23861362)

Biesecker Lab/Clinical Genomics Section, National Institutes of Health
Classification: Uncertain significance. Last evaluated: 2013-06-24. Review status: criteria provided, single submitter. Criteria: Ng et al. (Circ Cardiovasc Genet. 2013). Collection method: research. Allele origin: unknown. Observed: 1 variant allele. Study: ClinSeq.
Comment: The study set was not selected for affection status in relation to any cancer. Pathogenicity categories were based on literature curation. See Pubmed ID:23861362 for details.

Medical sequencing

Literature cited by the submitters: PubMed 23861362 (cited by Ambry Genetics); PubMed 26383259 (cited by Ambry Genetics); PubMed 30847666 (cited by Ambry Genetics); PubMed 31471687 (cited by Ambry Genetics).

NM_007078.3(LDB3):c.715G>A (p.Val239Ile)

Gene: LDB3 (LIM domain binding 3; plus strand). Cytogenetic location: 10q23.2.
Variant type: single nucleotide variant.
Coding change: c.715G>A on transcript NM_007078.3 (MANE Select); coding-DNA position 715, G replaced by A.
Protein change: p.Val239Ile; replaces valine 239 with isoleucine.
Molecular consequence: missense variant.
Genome position (GRCh38, 1-based): chr10:86,691,921, G>A. VCF-style: chr10-86691921-G-A. GRCh37 (hg19) VCF-style: chr10-88451678-G-A.
Other names: p.V239I:GTA>ATA; c.574G>A, p.Val192Ile (NM_001080116.1, NM_001080114.2, NM_001368066.1 and 2 more transcripts); c.715G>A, p.Val239Ile (NM_001080115.2, NM_001368063.1, NM_001368064.1 and 1 more transcripts); c.919G>A, p.Val307Ile (NM_001171610.2, NM_001171611.2); short protein forms V192I, V239I, V307I.
Identifiers: ClinVar variation 191697 (VCV000191697.18), dbSNP rs201417512, ClinGen allele CA302367.
Genomic context (GRCh38, chr10:86,691,921, plus strand): 5'-CTAGCCCTCGCCCACGGCCTCTCTCTGCATTACAGGAGCCTCCCTATTAAGGACCTTGCC[G>A]TAGACAGCGCCTCTCCCGTCTACCAGGCTGTGATTAAGAGCCAGAACAAGCCAGAAGATG-3'
Protein context (NP_009009.1, residues 229-249): GGSLPIKDLA[Val239Ile]DSASPVYQAV